The following is an entry in ClinVar:

NM_001242957.3(MAK):c.233T>C (p.Ile78Thr)

Gene: MAK (male germ cell associated kinase; minus strand). Cytogenetic location: 6p24.2.
Variant type: single nucleotide variant.
Coding change: c.233T>C on transcript NM_001242957.3 (MANE Select); coding-DNA position 233, T replaced by C.
Protein change: p.Ile78Thr; replaces isoleucine 78 with threonine.
Molecular consequence: missense variant. On other transcripts: non-coding transcript variant (2).
Genome position (GRCh38, 1-based): chr6:10,817,895, A>G on the plus strand (T>C on the coding strand, the complement: MAK is on the minus strand). VCF-style: chr6-10817895-A-G. GRCh37 (hg19) VCF-style: chr6-10818128-A-G.
Other names: c.233T>C, p.Ile78Thr (NM_001242385.2, NM_005906.6); c.131T>C, p.Ile44Thr (NM_001377262.1); short protein forms I44T, I78T.
Identifiers: ClinVar variation 2088514 (VCV002088514.1), dbSNP rs2532577802, ClinGen allele CA362721352.

ClinVar aggregate classification (germline): Uncertain significance (1 of 4 stars; one submission).

Allele frequency attached by ClinVar (database versions not stated): gnomAD exomes below 0.00001.
gnomAD v4.1: 1 of 1,437,840 alleles (0.00007%); highest among the groups gnomAD compares: Middle Eastern, 0.018%; no homozygotes.

Submission:

Labcorp Genetics (formerly Invitae), Labcorp
Classification: Uncertain significance. Last evaluated: 2022-01-24. Review status: criteria provided, single submitter. Criteria: Invitae Variant Classification Sherloc (09022015). Collection method: clinical testing. Allele origin: germline.
Comment: This sequence change replaces isoleucine, which is neutral and non-polar, with threonine, which is neutral and polar, at codon 78 of the MAK protein (p.Ile78Thr). This variant is not present in population databases (gnomAD no frequency). This variant has not been reported in the literature in individuals affected with MAK-related conditions. Experimental studies and prediction algorithms are not available or were not evaluated, and the functional significance of this variant is currently unknown. In summary, the available evidence is currently insufficient to determine the role of this variant in disease. Therefore, it has been classified as a Variant of Uncertain Significance.